The following is an entry in ClinVar:

ClinVar aggregate classification (germline): Uncertain significance. Review status: criteria provided, multiple submitters, no conflicts (2 of 4 stars). 2 submissions from 2 submitters: Uncertain significance (2). Last evaluated 2025-04-13.

Allele frequency attached by ClinVar (database versions not stated): TOPMed below 0.00001; gnomAD exomes 0.00001; ExAC 0.00002.
gnomAD v4.1: 14 of 1,613,732 alleles (0.00087%); highest among the groups gnomAD compares: Non-Finnish European, 0.0012%; no homozygotes.

Submissions (2):

Ambry Genetics
Classification: Uncertain significance. Last evaluated: 2025-04-13. Review status: criteria provided, single submitter. Criteria: Ambry Variant Classification Scheme 2023. Collection method: clinical testing. Allele origin: germline.

Labcorp Genetics (formerly Invitae), Labcorp
Classification: Uncertain significance. Last evaluated: 2022-10-26. Review status: criteria provided, single submitter. Criteria: Invitae Variant Classification Sherloc (09022015). Collection method: clinical testing. Allele origin: germline.
Comment: In summary, the available evidence is currently insufficient to determine the role of this variant in disease. Therefore, it has been classified as a Variant of Uncertain Significance. Algorithms developed to predict the effect of missense changes on protein structure and function are either unavailable or do not agree on the potential impact of this missense change (SIFT: "Tolerated"; PolyPhen-2: "Possibly Damaging"; Align-GVGD: "Class C0"). This variant has not been reported in the literature in individuals affected with RFWD3-related conditions. This variant is present in population databases (rs757318624, gnomAD 0.004%). This sequence change replaces lysine, which is basic and polar, with glutamic acid, which is acidic and polar, at codon 658 of the RFWD3 protein (p.Lys658Glu).

NM_018124.4(RFWD3):c.1972A>G (p.Lys658Glu)

Gene: RFWD3 (ring finger and WD repeat domain 3; minus strand). Cytogenetic location: 16q23.1.
Variant type: single nucleotide variant.
Coding change: c.1972A>G on transcript NM_018124.4 (MANE Select); coding-DNA position 1972, A replaced by G.
Protein change: p.Lys658Glu; replaces lysine 658 with glutamic acid.
Molecular consequence: missense variant.
Genome position (GRCh38, 1-based): chr16:74,626,552, T>C on the plus strand (A>G on the coding strand, the complement: RFWD3 is on the minus strand). VCF-style: chr16-74626552-T-C. GRCh37 (hg19) VCF-style: chr16-74660450-T-C.
Other names: c.1972A>G, p.Lys658Glu (NM_001370534.1, NM_001370535.1); c.1795A>G, p.Lys599Glu (NM_001370536.1); c.1138A>G, p.Lys380Glu (NM_001370537.1, NM_001370539.1, NM_001370540.1 and 3 more transcripts); c.1972A>G (NM_018124.3); short protein forms K599E, K380E, K658E.
Identifiers: ClinVar variation 2092244 (VCV002092244.5), dbSNP rs757318624, ClinGen allele CA8169020.